The following is an entry in ClinVar:

ClinVar aggregate classification (germline): not provided (0 of 4 stars; one submission).

Conditions:
Gestational diabetes mellitus uncontrolled. Identifiers: MedGen C3532257.

Submission:

Institute of Molecular and Cell Biology, University of Tartu
No classification provided. Condition: Gestational diabetes mellitus uncontrolled. Review status: no classification provided. Collection method: case-control. Allele origin: unknown. Affected: yes. Study: Kasak2014.
Comment: The study aimed to determine the contribution of copy number variants in the genetic etiology of normal and complicated pregnancies. The samples represented (i) maternal blood DNA drawn from healthy pregnant women during 1st or 2nd trimester and (ii) maternal and paternal blood DNA drawn at term pregnancy cases representing normal and complicated gestations (severe preeclampsia, PE; gestational diabetes, GD; small-for-gestational age newborn, SGA; large-for-gestational age newborn, LGA). We performed CNV calling based on genome-wide genotyping dataset (Illumina HumanOmniExpress-24-v1 BeadChip) by applying three algorithms, QuantiSNP, GADA (Genome Alteration Detection Algorithm) and CNstream in parallel. The acquired CNV calls were merged with HD-CNV (Hotspot Detector for Copy Number Variants) program and only the CNVs predicted by at least two programs, were considered in subsequent analysis.

Literature cited by the submitters: PubMed 25666259.

CM000666.1:g.161590091_161646978dup

Variant type: Duplication.
Identifiers: ClinVar variation 156939 (VCV000156939.2).